The following is an entry in ClinVar:

NM_015340.4(LARS2):c.1813C>T (p.Arg605Cys)

Gene: LARS2 (leucyl-tRNA synthetase 2, mitochondrial; plus strand). Cytogenetic location: 3p21.31.
Variant type: single nucleotide variant.
Coding change: c.1813C>T on transcript NM_015340.4 (MANE Select); coding-DNA position 1813, C replaced by T.
Protein change: p.Arg605Cys; replaces arginine 605 with cysteine.
Molecular consequence: missense variant.
Genome position (GRCh38, 1-based): chr3:45,513,187, C>T. VCF-style: chr3-45513187-C-T. GRCh37 (hg19) VCF-style: chr3-45554679-C-T.
Other names: p.Arg605Cys; c.1813C>T, p.Arg605Cys (NM_001368263.1); short protein forms R605C.
Identifiers: ClinVar variation 1254055 (VCV001254055.14), dbSNP rs147745374, ClinGen allele CA2349698.

ClinVar aggregate classification (germline): Conflicting classifications of pathogenicity. Review status: criteria provided, conflicting classifications (1 of 4 stars). 5 submissions from 5 submitters: Likely pathogenic (1); Uncertain significance (4). Last evaluated 2026-07-28.

Conditions:
Multiple congenital anomalies/dysmorphic syndrome-intellectual disability. Identifiers: Orphanet 102283, MedGen C5680372, MONDO:0015159.

Allele frequency attached by ClinVar (database versions not stated): ExAC 0.00017; gnomAD exomes 0.00017 and 0.00024; gnomAD 0.00019; TOPMed 0.00028; ESP Exome Variant Server 0.00031.
gnomAD v4.1: 287 of 1,613,798 alleles (0.018%); highest among the groups gnomAD compares: Middle Eastern, 0.15%; 1 homozygote.

Submissions (5):

GeneDx
Classification: Uncertain significance. Last evaluated: 2026-07-28. Review status: criteria provided, single submitter. Criteria: GeneDx Variant Classification Process June 2021. Collection method: clinical testing. Allele origin: germline.
Comment: Observed de novo in an individual with autism (PMID: 33374967); In silico analysis supports that this missense variant has a deleterious effect on protein structure/function; This variant is associated with the following publications: (PMID: 25905921, 33374967)

Blueprint Genetics
Classification: Uncertain significance. Last evaluated: 2024-10-24. Review status: criteria provided, single submitter. Criteria: ACMG Guidelines, 2015. Collection method: clinical testing. Allele origin: germline.

Mayo Clinic Laboratories, Mayo Clinic
Classification: Uncertain significance. Last evaluated: 2023-10-06. Review status: criteria provided, single submitter. Criteria: ACMG Guidelines, 2015. Collection method: clinical testing. Allele origin: germline. Observed: 2 variant alleles.

Labcorp Genetics (formerly Invitae), Labcorp
Classification: Uncertain significance. Last evaluated: 2022-10-10. Review status: criteria provided, single submitter. Criteria: Invitae Variant Classification Sherloc (09022015). Collection method: clinical testing. Allele origin: germline.
Comment: This sequence change replaces arginine, which is basic and polar, with cysteine, which is neutral and slightly polar, at codon 605 of the LARS2 protein (p.Arg605Cys). This variant is present in population databases (rs147745374, gnomAD 0.1%). This variant has not been reported in the literature in individuals affected with LARS2-related conditions. ClinVar contains an entry for this variant (Variation ID: 1254055). Algorithms developed to predict the effect of missense changes on protein structure and function are either unavailable or do not agree on the potential impact of this missense change (SIFT: "Deleterious"; PolyPhen-2: "Probably Damaging"; Align-GVGD: "Class C15"). In summary, the available evidence is currently insufficient to determine the role of this variant in disease. Therefore, it has been classified as a Variant of Uncertain Significance.

AURAGEN, Plan France Médecine Génomique
Classification: Likely pathogenic for Multiple congenital anomalies/dysmorphic syndrome-intellectual disability. Last evaluated: 2021-06-08. Review status: criteria provided, single submitter. Criteria: PFMG2025 (Lancet Reg Health Eur. 2025). Collection method: clinical testing. Allele origin: germline. Affected: yes.

Literature cited by the submitters: PubMed 33374967 (cited by Mayo Clinic Laboratories, Mayo Clinic).